The following is an entry in ClinVar:

ClinVar aggregate classification (germline): Likely benign (0 of 4 stars; one submission).

Conditions:
CIT-related disorder. Also called: CIT-related condition.

Allele frequency attached by ClinVar (database versions not stated): TOPMed below 0.00001; gnomAD 0.00001; gnomAD exomes 0.00001; ExAC 0.00002.
gnomAD v4.1: 19 of 1,613,472 alleles (0.0012%); highest among the groups gnomAD compares: East Asian, 0.0089%; no homozygotes.

Submission:

PreventionGenetics, part of Exact Sciences
Classification: Likely benign for CIT-related condition. Last evaluated: 2019-02-21. Review status: no assertion criteria provided. Collection method: clinical testing. Allele origin: germline.
Comment: This variant is classified as likely benign based on ACMG/AMP sequence variant interpretation guidelines (Richards et al. 2015 PMID: 25741868, with internal and published modifications).

NM_001206999.2(CIT):c.18T>C (p.Tyr6=)

Gene: CIT (citron rho-interacting serine/threonine kinase; minus strand). Cytogenetic location: 12q24.23.
Variant type: single nucleotide variant.
Coding change: c.18T>C on transcript NM_001206999.2 (MANE Select); coding-DNA position 18, T replaced by C.
Protein change: p.Tyr6=; no amino-acid change (tyrosine 6 retained).
Molecular consequence: synonymous variant.
Genome position (GRCh38, 1-based): chr12:119,876,151, A>G on the plus strand (T>C on the coding strand, the complement: CIT is on the minus strand). VCF-style: chr12-119876151-A-G. GRCh37 (hg19) VCF-style: chr12-120313955-A-G.
Other names: c.18T>C, p.Tyr6= (NM_007174.3).
Identifiers: ClinVar variation 3047701 (VCV003047701.2), dbSNP rs755628356, ClinGen allele CA6822545.